The following is an entry in ClinVar:

ClinVar aggregate classification (germline): Benign. Review status: criteria provided, single submitter (1 of 4 stars). 2 submissions from 2 submitters: Benign (1). 1 of the submissions does not count toward it. Last evaluated 2024-03-04.

Conditions:
SH2B1-related disorder. Also called: SH2B1-related condition.

Submissions (2):

Labcorp Genetics (formerly Invitae), Labcorp
Classification: Benign. Last evaluated: 2024-03-04. Review status: criteria provided, single submitter. Criteria: Invitae Variant Classification Sherloc (09022015). Collection method: clinical testing. Allele origin: germline.

PreventionGenetics, part of Exact Sciences
Classification: Likely benign for SH2B1-related condition. Last evaluated: 2023-10-25. Review status: no assertion criteria provided. Collection method: clinical testing. Allele origin: germline. Not counted in ClinVar's aggregate classification.
Comment: This variant is classified as likely benign based on ACMG/AMP sequence variant interpretation guidelines (Richards et al. 2015 PMID: 25741868, with internal and published modifications).

NM_001387430.1(SH2B1):c.1310-5del

Gene: SH2B1 (SH2B adaptor protein 1; plus strand). Cytogenetic location: 16p11.2.
Variant type: Deletion.
Coding change: c.1310-5del on transcript NM_001387430.1 (MANE Select); 5 bases into the intron before coding-DNA position 1310, one base deleted (T; older notation c.1310-5delT).
Molecular consequence: intron variant.
Genome position (GRCh38, 1-based): chr16:28,871,775, T deleted; the last of 9 consecutive T bases (chr16:28,871,767-28,871,775); deleting any one gives the same sequence. VCF-style (leftmost placement, unchanged base first): chr16-28871766-CT-C. GRCh37 (hg19) VCF-style: chr16-28883087-CT-C.
Other names: c.1310-5del (NM_001145812.2, NM_001145797.2, NM_001145796.2 and 4 more transcripts); c.302-5del (NM_001308294.2); c.1310-5delT (NM_001145795.1).
Identifiers: ClinVar variation 2981030 (VCV002981030.5), dbSNP rs370735455, ClinGen allele CA7986171.